The following is an entry in ClinVar:

NM_000501.4(ELN):c.1414+9C>T

Gene: ELN (elastin; plus strand). Cytogenetic location: 7q11.23.
Variant type: single nucleotide variant.
Coding change: c.1414+9C>T on transcript NM_000501.4 (MANE Select); 9 bases into the intron after coding-DNA position 1414, C replaced by T.
Molecular consequence: intron variant.
Genome position (GRCh38, 1-based): chr7:74,057,705, C>T. VCF-style: chr7-74057705-C-T. GRCh37 (hg19) VCF-style: chr7-73472035-C-T.
Other names: c.1414+9C>T (NM_000501.3, NM_001278915.2, NM_001278912.2); c.1429+9C>T (NM_001081754.3); c.1372+992C>T (NM_001081753.3); c.1501+9C>T (NM_001278939.2); c.1357+992C>T (NM_001081755.3); c.1315+992C>T (NM_001278916.2); c.1171+992C>T (NM_001278913.2); c.1342+992C>T (NM_001278914.2); and 3 more.
Identifiers: ClinVar variation 2723205 (VCV002723205.4), dbSNP rs782299936, ClinGen allele CA4293027.

ClinVar aggregate classification (germline): Likely benign. Review status: criteria provided, multiple submitters, no conflicts (2 of 4 stars). 2 submissions from 2 submitters: Likely benign (2). Last evaluated 2026-05-07.

Conditions:
ELN-related disorder.
Supravalvar aortic stenosis (SVAS). Also called: Supravalvar aortic stenosis, Eisenberg type. Identifiers: Orphanet 3193, MedGen C0003499, MONDO:0008504, OMIM 185500, HP:0004381.

Allele frequency attached by ClinVar (database versions not stated): gnomAD 0.00001; TOPMed 0.00001; ExAC 0.00002.
gnomAD v4.1: 14 of 1,612,678 alleles (0.00087%); highest among the groups gnomAD compares: East Asian, 0.0022%; no homozygotes.

Submissions (2):

PreventionGenetics, part of Exact Sciences
Classification: Likely benign for ELN-related condition. Last evaluated: 2026-05-07. Review status: criteria provided, single submitter. Criteria: ACMG Guidelines, 2015. Collection method: clinical testing. Allele origin: germline.
Comment: This variant is classified as likely benign based on ACMG/AMP sequence variant interpretation guidelines (Richards et al. 2015 PMID: 25741868, with internal and published modifications).

Labcorp Genetics (formerly Invitae), Labcorp
Classification: Likely benign for Supravalvar aortic stenosis. Last evaluated: 2024-08-18. Review status: criteria provided, single submitter. Criteria: Invitae Variant Classification Sherloc (09022015). Collection method: clinical testing. Allele origin: germline.